The following is an entry in ClinVar:

ClinVar aggregate classification (germline): Likely benign (0 of 4 stars; one submission).

Conditions:
EIF2AK3-related disorder. Also called: EIF2AK3-related condition.

Submission:

PreventionGenetics, part of Exact Sciences
Classification: Likely benign for EIF2AK3-related condition. Last evaluated: 2019-05-06. Review status: no assertion criteria provided. Collection method: clinical testing. Allele origin: germline.
Comment: This variant is classified as likely benign based on ACMG/AMP sequence variant interpretation guidelines (Richards et al. 2015 PMID: 25741868, with internal and published modifications).

NM_004836.7(EIF2AK3):c.2580A>C (p.Pro860=)

Genes: EIF2AK3 (eukaryotic translation initiation factor 2 alpha kinase 3; minus strand), EIF2AK3-AS1 (EIF2AK3 antisense RNA 1; plus strand). Cytogenetic location: 2p11.2.
Variant type: single nucleotide variant.
Coding change: c.2580A>C on transcript NM_004836.7 (MANE Select); coding-DNA position 2580, A replaced by C.
Protein change: p.Pro860=; no amino-acid change (proline 860 retained).
Molecular consequence: synonymous variant. On other transcripts: non-coding transcript variant (1).
Genome position (GRCh38, 1-based): chr2:88,574,903, T>G on the plus strand (A>C on the coding strand, the complement: EIF2AK3 is on the minus strand). VCF-style: chr2-88574903-T-G. GRCh37 (hg19) VCF-style: chr2-88874421-T-G.
Other names: c.2127A>C, p.Pro709= (NM_001313915.2).
Identifiers: ClinVar variation 3038044 (VCV003038044.2), dbSNP rs1674412789, ClinGen allele CA427445113.
Genomic context (GRCh38, chr2:88,574,903, plus strand): 5'-TGGTGAACTGGGCTGGAGTTTTTCTGTGGTGTTTTTAGTGAGATCTAAACTTAAAGTGGT[T>G]GGTCTTGGAGGAGAAATAGACAATGTAGCTTCAGAAGAAGATTTGCTACTGGTGGGCTTG-3'
Protein context (NP_004827.4, residues 850-870): EATLSISPPR[Pro860=]TTLSLDLTKN